The following is an entry in ClinVar:

NM_000368.5(TSC1):c.1524C>G (p.Tyr508Ter)

Gene: TSC1 (TSC complex subunit 1; minus strand). Cytogenetic location: 9q34.13.
Variant type: single nucleotide variant.
Coding change: c.1524C>G on transcript NM_000368.5 (MANE Select); coding-DNA position 1524, C replaced by G.
Protein change: p.Tyr508Ter; replaces tyrosine 508 with a stop codon.
Molecular consequence: nonsense.
Genome position (GRCh38, 1-based): chr9:132,906,054, G>C on the plus strand (C>G on the coding strand, the complement: TSC1 is on the minus strand). VCF-style: chr9-132906054-G-C. GRCh37 (hg19) VCF-style: chr9-135781441-G-C.
Other names: c.1521C>G, p.Tyr507Ter (NM_001406608.1, NM_001406609.1, NM_001162426.2 and 6 more transcripts); c.1371C>G, p.Tyr457Ter (NM_001406610.1, NM_001162427.2); c.1368C>G, p.Tyr456Ter (NM_001406611.1, NM_001406612.1, NM_001406613.1); c.1161C>G, p.Tyr387Ter (NM_001406614.1, NM_001406615.1, NM_001406616.1 and 5 more transcripts); c.1524C>G, p.Tyr508Ter (NM_001406592.1, NM_001406593.1, NM_001406594.1 and 7 more transcripts); c.1158C>G, p.Tyr386Ter (NM_001406620.1, NM_001406621.1, NM_001406622.1 and 2 more transcripts); c.573C>G, p.Tyr191Ter (NM_001406626.1); c.570C>G, p.Tyr190Ter (NM_001406627.1, NM_001406628.1); and 1 more; short protein forms Y191*, Y386*, Y457*, Y507*, Y157*, Y190*, Y508*, Y456*.
Identifiers: ClinVar variation 2060692 (VCV002060692.4), dbSNP rs2131844956, ClinGen allele CA375365253.
Genomic context (GRCh38, chr9:132,906,054, plus strand): 5'-GCCCTGAGAACTGGAGGCTGCCGAGTGGGTCTTCCGCTGAGAACCTGGGAGACTGTCTCG[G>C]TAAAAGGGAGAGTCAAAGCCTCCTCGAGGAACCACAGGCTCTGCCTCTGCTGTGGTGATC-3'

ClinVar aggregate classification (germline): Pathogenic (1 of 4 stars; one submission).

Conditions:
Tuberous sclerosis 1 (TSC1). Identifiers: Orphanet 805, MedGen C1854465, MONDO:0008612, OMIM 191100.

Submission:

Labcorp Genetics (formerly Invitae), Labcorp
Classification: Pathogenic for Tuberous sclerosis 1. Last evaluated: 2021-12-25. Review status: criteria provided, single submitter. Criteria: Invitae Variant Classification Sherloc (09022015). Collection method: clinical testing. Allele origin: germline.
Comment: This sequence change creates a premature translational stop signal (p.Tyr508*) in the TSC1 gene. It is expected to result in an absent or disrupted protein product. Loss-of-function variants in TSC1 are known to be pathogenic (PMID: 10227394, 17304050). This variant is not present in population databases (gnomAD no frequency). This premature translational stop signal has been observed in individual(s) with tuberous sclerosis complex (PMID: 32655475). Algorithms developed to predict the effect of sequence changes on RNA splicing suggest that this variant may create or strengthen a splice site. For these reasons, this variant has been classified as Pathogenic.

Literature cited by the submitters: PubMed 10227394; PubMed 17304050; PubMed 32655475.